The following is an entry in ClinVar:

ClinVar aggregate classification (germline): Uncertain significance (1 of 4 stars; one submission).

Allele frequency attached by ClinVar (database versions not stated): gnomAD 0.00001.
gnomAD v4.1: 1 of 1,614,002 alleles (0.000062%); highest among the groups gnomAD compares: Admixed American, 0.0017%; no homozygotes.

Submission:

Labcorp Genetics (formerly Invitae), Labcorp
Classification: Uncertain significance. Last evaluated: 2025-01-06. Review status: criteria provided, single submitter. Criteria: Invitae Variant Classification Sherloc (09022015). Collection method: clinical testing. Allele origin: germline.
Comment: This sequence change replaces isoleucine, which is neutral and non-polar, with leucine, which is neutral and non-polar, at codon 192 of the PIGL protein (p.Ile192Leu). This variant is not present in population databases (gnomAD no frequency). This variant has not been reported in the literature in individuals affected with PIGL-related conditions. ClinVar contains an entry for this variant (Variation ID: 3020430). Invitae Evidence Modeling of protein sequence and biophysical properties (such as structural, functional, and spatial information, amino acid conservation, physicochemical variation, residue mobility, and thermodynamic stability) indicates that this missense variant is not expected to disrupt PIGL protein function with a negative predictive value of 80%. In summary, the available evidence is currently insufficient to determine the role of this variant in disease. Therefore, it has been classified as a Variant of Uncertain Significance.

NM_004278.4(PIGL):c.574A>C (p.Ile192Leu)

Gene: PIGL (phosphatidylinositol glycan anchor biosynthesis class L; plus strand). Cytogenetic location: 17p11.2.
Variant type: single nucleotide variant.
Coding change: c.574A>C on transcript NM_004278.4 (MANE Select); coding-DNA position 574, A replaced by C.
Protein change: p.Ile192Leu; replaces isoleucine 192 with leucine.
Molecular consequence: missense variant.
Genome position (GRCh38, 1-based): chr17:16,317,822, A>C. VCF-style: chr17-16317822-A-C. GRCh37 (hg19) VCF-style: chr17-16221136-A-C.
Other names: c.542A>C, p.His181Pro (NM_001411072.1); short protein forms I192L, H181P.
Identifiers: ClinVar variation 3020430 (VCV003020430.3), dbSNP rs771899331, ClinGen allele CA398480286.